The following is an entry in ClinVar:

NM_000875.5(IGF1R):c.2730C>T (p.Leu910=)

Gene: IGF1R (insulin like growth factor 1 receptor; plus strand). Cytogenetic location: 15q26.3.
Variant type: single nucleotide variant.
Coding change: c.2730C>T on transcript NM_000875.5 (MANE Select); coding-DNA position 2730, C replaced by T.
Protein change: p.Leu910=; no amino-acid change (leucine 910 retained).
Molecular consequence: synonymous variant.
Genome position (GRCh38, 1-based): chr15:98,924,632, C>T. VCF-style: chr15-98924632-C-T. GRCh37 (hg19) VCF-style: chr15-99467861-C-T.
Other names: c.2730C>T, p.Leu910= (NM_001291858.2).
Identifiers: ClinVar variation 750627 (VCV000750627.8), dbSNP rs764448697, ClinGen allele CA7752486.

ClinVar aggregate classification (germline): Conflicting classifications of pathogenicity. Review status: criteria provided, conflicting classifications (1 of 4 stars). 3 submissions from 3 submitters: Uncertain significance (1); Likely benign (2). Last evaluated 2024-10-10.

Conditions:
Growth delay due to insulin-like growth factor I resistance. Also called: Somatomedin end-organ insensitivity to; Somatomedin-c resistance to; IGF-1 resistance; IGF-I RESISTANCE; Insulin-Like Growth Factor I Resistance. Identifiers: Orphanet 73273, MedGen C1849157, MONDO:0010038, OMIM 270450.

Allele frequency attached by ClinVar (database versions not stated): gnomAD below 0.00001 and 0.00001; TOPMed below 0.00001; ExAC 0.00002; gnomAD exomes 0.00002.
gnomAD v4.1: 31 of 1,614,088 alleles (0.0019%); highest among the groups gnomAD compares: South Asian, 0.032%; no homozygotes.

Submissions (3):

Blueprint Genetics
Classification: Likely benign. Last evaluated: 2024-10-10. Review status: criteria provided, single submitter. Criteria: ACMG Guidelines, 2015. Collection method: clinical testing. Allele origin: germline.

Labcorp Genetics (formerly Invitae), Labcorp
Classification: Likely benign. Last evaluated: 2024-01-30. Review status: criteria provided, single submitter. Criteria: Invitae Variant Classification Sherloc (09022015). Collection method: clinical testing. Allele origin: germline.

Baylor Genetics
Classification: Uncertain significance for Growth delay due to insulin-like growth factor I resistance. Last evaluated: 2018-07-19. Review status: criteria provided, single submitter. Criteria: ACMG Guidelines, 2015. Collection method: clinical testing. Allele origin: unknown. Affected: yes.
Comment: This variant was determined to be of uncertain significance according to ACMG Guidelines, 2015 [PMID:25741868].